The following is an entry in ClinVar:

ClinVar aggregate classification (germline): Benign. Review status: criteria provided, multiple submitters, no conflicts (2 of 4 stars). 5 submissions from 5 submitters: Benign (2). 3 of the submissions do not count toward it. Last evaluated 2026-01-26.

Conditions:
Encephalopathy, acute, infection-induced (herpes-specific), susceptibility to, 1. Also called: Herpes simplex encephalitis, susceptibility to, 1. Identifiers: Orphanet 1930, MedGen C2750180, MONDO:0024563, OMIM 610551.
TLR3-related disorder. Also called: TLR3-related condition.

Allele frequency attached by ClinVar (database versions not stated): TOPMed 0.00249; 1000 Genomes Project 30x 0.00172; ESP Exome Variant Server 0.00301; 1000 Genomes Project 0.00180; gnomAD 0.00229 and 0.00241; ExAC 0.00399.
gnomAD v4.1: 4,668 of 1,476,906 alleles (0.32%); highest among the groups gnomAD compares: Middle Eastern, 0.91%; 14 homozygotes.

Submissions (11):

Labcorp Genetics (formerly Invitae), Labcorp
Classification: Benign for Encephalopathy, acute, infection-induced (herpes-specific), susceptibility to, 1. Last evaluated: 2026-01-26. Review status: criteria provided, single submitter. Criteria: Invitae Variant Classification Sherloc (09022015). Collection method: clinical testing. Allele origin: germline.

Breakthrough Genomics
Classification: Benign. Review status: criteria provided, single submitter. Criteria: ACMG Guidelines, 2015. Collection method: not provided. Allele origin: germline. Inheritance: Autosomal dominant inheritance. Affected: yes.

PreventionGenetics, part of Exact Sciences
Classification: Benign for TLR3-related condition. Last evaluated: 2019-05-10. Review status: no assertion criteria provided. Collection method: clinical testing. Allele origin: germline. Not counted in ClinVar's aggregate classification.
Comment: This variant is classified as benign based on ACMG/AMP sequence variant interpretation guidelines (Richards et al. 2015 PMID: 25741868, with internal and published modifications).

Clinical Genetics DNA and cytogenetics Diagnostics Lab, Erasmus MC, Erasmus Medical Center
Classification: Likely benign. Review status: no assertion criteria provided. Collection method: clinical testing. Allele origin: germline. Affected: yes. Study: VKGL Data-share Consensus. Not counted in ClinVar's aggregate classification.

Dr. Peter K. Rogan Lab, Western University
No classification provided (evidence only). Condition: Thyroid cancer, nonmedullary, 1. Review status: no classification provided. Collection method: in vitro. Allele origin: not applicable. Functional consequence: retained intron. Not counted in ClinVar's aggregate classification.

Dr. Peter K. Rogan Lab, Western University
No classification provided (evidence only). Condition: Uterine corpus endometrial carcinoma. Review status: no classification provided. Collection method: in vitro. Allele origin: not applicable. Functional consequence: retained intron. Not counted in ClinVar's aggregate classification.

Dr. Peter K. Rogan Lab, Western University
No classification provided (evidence only). Condition: Ovarian serous cystadenocarcinoma. Review status: no classification provided. Collection method: in vitro. Allele origin: not applicable. Functional consequence: retained intron. Not counted in ClinVar's aggregate classification.

Dr. Peter K. Rogan Lab, Western University
No classification provided (evidence only). Condition: Ovarian serous cystadenocarcinoma. Review status: no classification provided. Collection method: in vitro. Allele origin: not applicable. Functional consequence: retained intron. Not counted in ClinVar's aggregate classification.

Dr. Peter K. Rogan Lab, Western University
No classification provided (evidence only). Condition: Nonpapillary renal cell carcinoma. Review status: no classification provided. Collection method: in vitro. Allele origin: not applicable. Functional consequence: skipped exon, retained intron. Not counted in ClinVar's aggregate classification.

Dr. Peter K. Rogan Lab, Western University
No classification provided (evidence only). Condition: Lymphoma. Review status: no classification provided. Collection method: in vitro. Allele origin: not applicable. Functional consequence: retained intron. Not counted in ClinVar's aggregate classification.

Genome Diagnostics Laboratory, University Medical Center Utrecht
Classification: Likely benign. Review status: no assertion criteria provided. Collection method: clinical testing. Allele origin: germline. Affected: yes. Study: VKGL Data-share Consensus. Not counted in ClinVar's aggregate classification.

NM_003265.3(TLR3):c.634-10C>A

Gene: TLR3 (toll like receptor 3; plus strand). Cytogenetic location: 4q35.1.
Variant type: single nucleotide variant.
Coding change: c.634-10C>A on transcript NM_003265.3 (MANE Select); 10 bases into the intron before coding-DNA position 634, C replaced by A.
Molecular consequence: intron variant.
Genome position (GRCh38, 1-based): chr4:186,082,310, C>A. VCF-style: chr4-186082310-C-A. GRCh37 (hg19) VCF-style: chr4-187003464-C-A.
Identifiers: ClinVar variation 537923 (VCV000537923.18), dbSNP rs113654222, ClinGen allele CA3161280.
Genomic context (GRCh38, chr4:186,082,310, plus strand): 5'-AAGGCTTTCAACAGCATTACAGAGTCTGTGTTCTTTTGATTGTTAACCTCTTTTTTTTTC[C>A]TACCTTTAGTTTTCTCCAGGGTGTTTTCACGCAATTGGAAGATTATTTGGCCTCTTTCTG-3'